The following is an entry in ClinVar:

ClinVar aggregate classification (germline): Uncertain significance (1 of 4 stars; one submission).

Allele frequency attached by ClinVar (database versions not stated): TOPMed 0.00001.

Submission:

Labcorp Genetics (formerly Invitae), Labcorp
Classification: Uncertain significance. Last evaluated: 2023-01-31. Review status: criteria provided, single submitter. Criteria: Invitae Variant Classification Sherloc (09022015). Collection method: clinical testing. Allele origin: germline.
Comment: Advanced modeling of protein sequence and biophysical properties (such as structural, functional, and spatial information, amino acid conservation, physicochemical variation, residue mobility, and thermodynamic stability) performed at Invitae indicates that this missense variant is not expected to disrupt POLE protein function. This sequence change replaces leucine, which is neutral and non-polar, with valine, which is neutral and non-polar, at codon 1489 of the POLE protein (p.Leu1489Val). This variant is not present in population databases (gnomAD no frequency). This variant has not been reported in the literature in individuals affected with POLE-related conditions. ClinVar contains an entry for this variant (Variation ID: 938952). In summary, the available evidence is currently insufficient to determine the role of this variant in disease. Therefore, it has been classified as a Variant of Uncertain Significance.

NM_006231.4(POLE):c.4465C>G (p.Leu1489Val)

Gene: POLE (DNA polymerase epsilon, catalytic subunit; minus strand). Cytogenetic location: 12q24.33.
Variant type: single nucleotide variant.
Coding change: c.4465C>G on transcript NM_006231.4 (MANE Select); coding-DNA position 4465, C replaced by G.
Protein change: p.Leu1489Val; replaces leucine 1489 with valine.
Molecular consequence: missense variant.
Genome position (GRCh38, 1-based): chr12:132,643,310, G>C on the plus strand (C>G on the coding strand, the complement: POLE is on the minus strand). VCF-style: chr12-132643310-G-C. GRCh37 (hg19) VCF-style: chr12-133219896-G-C.
Other names: short protein forms L1489V.
Identifiers: ClinVar variation 938952 (VCV000938952.9), dbSNP rs1314006835, ClinGen allele CA387380733.
Genomic context (GRCh38, chr12:132,643,310, plus strand): 5'-TGCGCTGTGAGGGGATGAAGATCCCGAAGAGCGCTTTGTGGGCCTGTGCGTGGTGGTACA[G>C]GTAGATATGGCGGATACTCCCTGGAGAAGGAAACAAGACCGTCACCCCAGATGTGTGGGA-3'
Protein context (NP_006222.2, residues 1479-1499): LEPGSIRHIY[Leu1489Val]YHHAQAHKAL